The following is an entry in ClinVar:

ClinVar aggregate classification (germline): Uncertain significance (1 of 4 stars; one submission).

Conditions:
Regional enteritis. Also called: Enteritis, Granulomatous. Identifiers: MedGen C0678202, MeSH D003424.
Blau syndrome (BLAUS). Also called: ARTHROCUTANEOUVEAL GRANULOMATOSIS; GRANULOMATOSIS, FAMILIAL JUVENILE SYSTEMIC; GRANULOMATOSIS, FAMILIAL, BLAU TYPE; GRANULOMATOUS INFLAMMATORY ARTHRITIS, DERMATITIS, AND UVEITIS, FAMILIAL; JABS SYNDROME. Identifiers: Orphanet 90340, MedGen C5201146, MONDO:0008523, OMIM 186580.

gnomAD v4.1: 2 of 1,614,168 alleles (0.00012%); highest among the groups gnomAD compares: Non-Finnish European, 0.00017%; no homozygotes.

Submission:

Labcorp Genetics (formerly Invitae), Labcorp
Classification: Uncertain significance for Regional enteritis; Blau syndrome. Last evaluated: 2024-07-12. Review status: criteria provided, single submitter. Criteria: Invitae Variant Classification Sherloc (09022015). Collection method: clinical testing. Allele origin: germline.
Comment: This sequence change replaces threonine, which is neutral and polar, with asparagine, which is neutral and polar, at codon 899 of the NOD2 protein (p.Thr899Asn). This variant is not present in population databases (gnomAD no frequency). This variant has not been reported in the literature in individuals affected with NOD2-related conditions. Advanced modeling of protein sequence and biophysical properties (such as structural, functional, and spatial information, amino acid conservation, physicochemical variation, residue mobility, and thermodynamic stability) performed at Invitae indicates that this missense variant is not expected to disrupt NOD2 protein function with a negative predictive value of 95%. In summary, the available evidence is currently insufficient to determine the role of this variant in disease. Therefore, it has been classified as a Variant of Uncertain Significance.

NM_001370466.1(NOD2):c.2615C>A (p.Thr872Asn)

Gene: NOD2 (nucleotide binding oligomerization domain containing 2; plus strand). Cytogenetic location: 16q12.1.
Variant type: single nucleotide variant.
Coding change: c.2615C>A on transcript NM_001370466.1 (MANE Select); coding-DNA position 2615, C replaced by A.
Protein change: p.Thr872Asn; replaces threonine 872 with asparagine.
Molecular consequence: missense variant. On other transcripts: non-coding transcript variant (1).
Genome position (GRCh38, 1-based): chr16:50,719,990, C>A. VCF-style: chr16-50719990-C-A. GRCh37 (hg19) VCF-style: chr16-50753901-C-A.
Other names: c.2615C>A, p.Thr872Asn (NM_001293557.2); c.2696C>A, p.Thr899Asn (NM_022162.3); short protein forms T872N, T899N.
Identifiers: ClinVar variation 3754229 (VCV003754229.2).